The following is an entry in ClinVar:

ClinVar aggregate classification (germline): Uncertain significance. Review status: criteria provided, multiple submitters, no conflicts (2 of 4 stars). 2 submissions from 2 submitters: Uncertain significance (2). Last evaluated 2025-10-13.

Conditions:
Desmin-related myofibrillar myopathy (MFM1). Also called: MYOFIBRILLAR MYOPATHY WITH ARRHYTHMOGENIC RIGHT VENTRICULAR CARDIOMYOPATHY; DESMIN-RELATED MYOPATHY WITH ARRHYTHMOGENIC RIGHT VENTRICULAR CARDIOMYOPATHY; Desminopathy; Desmin related myopathy (former name); Desmin storage myopathy (former name); Myofibrillar myopathy 1. Identifiers: Orphanet 363543, Orphanet 98909, MedGen C1832370, MONDO:0011076, OMIM 601419.

Allele frequency attached by ClinVar (database versions not stated): gnomAD 0.00001; TOPMed 0.00002.
gnomAD v4.1: 3 of 1,614,000 alleles (0.00019%); highest among the groups gnomAD compares: Non-Finnish European, 0.00025%; no homozygotes.

Submissions (2):

Labcorp Genetics (formerly Invitae), Labcorp
Classification: Uncertain significance for Desmin-related myofibrillar myopathy. Last evaluated: 2025-10-13. Review status: criteria provided, single submitter. Criteria: Invitae Variant Classification Sherloc (09022015). Collection method: clinical testing. Allele origin: germline.
Comment: This sequence change replaces alanine, which is neutral and non-polar, with serine, which is neutral and polar, at codon 397 of the DES protein (p.Ala397Ser). This variant is present in population databases (no rsID available, gnomAD 0.0009%). This variant has not been reported in the literature in individuals affected with DES-related conditions. ClinVar contains an entry for this variant (Variation ID: 1481128). Invitae Evidence Modeling of protein sequence and biophysical properties (such as structural, functional, and spatial information, amino acid conservation, physicochemical variation, residue mobility, and thermodynamic stability) has been performed for this missense variant. However, the output from this modeling did not meet the statistical confidence thresholds required to predict the impact of this variant on DES protein function. In summary, the available evidence is currently insufficient to determine the role of this variant in disease. Therefore, it has been classified as a Variant of Uncertain Significance.

Revvity Omics, Revvity
Classification: Uncertain significance. Last evaluated: 2022-05-26. Review status: criteria provided, single submitter. Criteria: ACMG Guidelines, 2015. Collection method: clinical testing. Allele origin: germline.

NM_001927.4(DES):c.1189G>T (p.Ala397Ser)

Gene: DES (desmin; plus strand). Cytogenetic location: 2q35.
Variant type: single nucleotide variant.
Coding change: c.1189G>T on transcript NM_001927.4 (MANE Select); coding-DNA position 1189, G replaced by T.
Protein change: p.Ala397Ser; replaces alanine 397 with serine.
Molecular consequence: missense variant.
Genome position (GRCh38, 1-based): chr2:219,421,505, G>T. VCF-style: chr2-219421505-G-T. GRCh37 (hg19) VCF-style: chr2-220286227-G-T.
Other names: c.1186G>T, p.Ala396Ser (NM_001382708.1); c.757G>T, p.Ala253Ser (NM_001382709.1); c.1120G>T, p.Ala374Ser (NM_001382710.1); c.1168G>T, p.Ala390Ser (NM_001382711.1); c.1189G>T, p.Ala397Ser (NM_001382712.1); c.919G>T, p.Ala307Ser (NM_001382713.1); short protein forms A307S, A374S, A396S, A253S, A390S, A397S.
Identifiers: ClinVar variation 1481128 (VCV001481128.10), dbSNP rs727502951, ClinGen allele CA350694898.